The following is an entry in ClinVar:

NM_025207.5(FLAD1):c.-294AG[1]

Gene: FLAD1 (flavin adenine dinucleotide synthetase 1; plus strand). Cytogenetic location: 1q21.3.
Variant type: Microsatellite.
Coding change: c.-294AG[1] on transcript NM_025207.5 (MANE Select); one copy of the 2-base unit AG starting at c.-294; the reference has two copies in a row; one copy, 2 bases deleted.
Molecular consequence: 5 prime UTR variant. On other transcripts: intron variant (3).
Genome position (GRCh38, 1-based): chr1:154,983,403-154,983,404, AG deleted; deleting any 2 consecutive bases within chr1:154,983,400-154,983,404 gives the same sequence; the position shown is the placement nearest the transcript's 3' end. VCF-style (leftmost placement, unchanged base first): chr1-154983399-TGA-T. GRCh37 (hg19) VCF-style: chr1-154955875-TGA-T.
Other names: c.-145+6_-145+7del (NM_001184891.2, NM_201398.3); c.-790+6_-790+7del (NM_001184892.2).
Identifiers: ClinVar variation 419775 (VCV000419775.1), dbSNP rs569007120, ClinGen allele CA16616996.

ClinVar aggregate classification (germline): Likely benign (1 of 4 stars; one submission).

Submission:

GeneDx
Classification: Likely benign. Last evaluated: 2018-02-01. Review status: criteria provided, single submitter. Criteria: GeneDx Variant Classification (06012015). Collection method: clinical testing. Allele origin: germline. Affected: yes.
Comment: This variant is considered likely benign or benign based on one or more of the following criteria: it is a conservative change, it occurs at a poorly conserved position in the protein, it is predicted to be benign by multiple in silico algorithms, and/or has population frequency not consistent with disease.